The following is an entry in ClinVar:

NM_001079802.2(FKTN):c.1198_1207del (p.Cys400fs)

Gene: FKTN (fukutin; plus strand). Cytogenetic location: 9q31.2.
Variant type: Deletion.
Coding change: c.1198_1207del on transcript NM_001079802.2 (MANE Select); coding-DNA positions 1198 to 1207, 10 bases deleted (TGCTGGACTG; older notation c.1198_1207delTGCTGGACTG).
Protein change: p.Cys400fs; shifts the reading frame from cysteine 400.
Molecular consequence: frameshift variant. On other transcripts: non-coding transcript variant (2).
Genome position (GRCh38, 1-based): chr9:105,635,076-105,635,085, TGCTGGACTG deleted; deleting any 10 consecutive bases within chr9:105,635,072-105,635,085 gives the same sequence; the c. name uses the placement nearest the transcript's 3' end. VCF-style (leftmost placement, unchanged base first): chr9-105635071-CACTGTGCTGG-C. GRCh37 (hg19) VCF-style: chr9-108397352-CACTGTGCTGG-C.
Other names: c.1198_1207del, p.Cys400fs (NM_001198963.2, NM_001351496.2, NM_006731.2); c.1129_1138del, p.Cys377fs (NM_001351497.2); c.1229_1238del, p.Val410fs (NM_001351498.2); c.802_811del, p.Cys268fs (NM_001351499.2, NM_001351500.2, NM_001351501.2 and 1 more transcripts); short protein forms C268fs, C377fs, C400fs, V410fs.
Identifiers: ClinVar variation 1063728 (VCV001063728.8), dbSNP rs2133450854, ClinGen allele CA2499219530.
Genomic context (GRCh38, chr9:105,635,071, plus strand): 5'-TCTTCCACTGTTGAAGCCTAATCCCTCTGTTTTGCTGCAGATACCTGTTTCCGAAGTTTA[CACTGTGCTGG>C]ACTGAGTTTGTAGACATGAAGGTCCATGTACCCTGTGAAACCCTCGAATACATTGAAGCC-3'

ClinVar aggregate classification (germline): Pathogenic (1 of 4 stars; one submission).

Conditions:
Walker-Warburg congenital muscular dystrophy. Also called: Muscular dystrophy-dystroglycanopathy, type A; Walker-Warburg syndrome. Identifiers: Orphanet 899, MedGen C0265221, MONDO:0000171.

Submission:

Labcorp Genetics (formerly Invitae), Labcorp
Classification: Pathogenic for Walker-Warburg congenital muscular dystrophy. Last evaluated: 2024-04-17. Review status: criteria provided, single submitter. Criteria: Invitae Variant Classification Sherloc (09022015). Collection method: clinical testing. Allele origin: germline.
Comment: This sequence change creates a premature translational stop signal (p.Cys400Serfs*3) in the FKTN gene. While this is not anticipated to result in nonsense mediated decay, it is expected to disrupt the last 62 amino acid(s) of the FKTN protein. This variant is not present in population databases (gnomAD no frequency). This variant has not been reported in the literature in individuals affected with FKTN-related conditions. ClinVar contains an entry for this variant (Variation ID: 1063728). This variant disrupts a region of the FKTN protein in which other variant(s) (p.Lys425*) have been determined to be pathogenic (PMID: 28785732; Invitae). This suggests that this is a clinically significant region of the protein, and that variants that disrupt it are likely to be disease-causing. For these reasons, this variant has been classified as Pathogenic.

Literature cited by the submitters: PubMed 28785732.